The following is an entry in ClinVar:

ClinVar aggregate classification (germline): Uncertain significance. Review status: criteria provided, multiple submitters, no conflicts (2 of 4 stars). 2 submissions from 2 submitters: Uncertain significance (2). Last evaluated 2024-10-21.

Conditions:
Aortic aneurysm, familial thoracic 4 (AAT4). Also called: AORTIC ANEURYSM/AORTIC DISSECTION AND PATENT DUCTUS ARTERIOSUS. Identifiers: MedGen C1851504, MONDO:0007568, OMIM 132900.

Submissions (2):

Labcorp Genetics (formerly Invitae), Labcorp
Classification: Uncertain significance for Aortic aneurysm, familial thoracic 4. Last evaluated: 2024-10-21. Review status: criteria provided, single submitter. Criteria: Invitae Variant Classification Sherloc (09022015). Collection method: clinical testing. Allele origin: germline.
Comment: This sequence change replaces isoleucine, which is neutral and non-polar, with valine, which is neutral and non-polar, at codon 408 of the MYH11 protein (p.Ile408Val). This variant is not present in population databases (gnomAD no frequency). This variant has not been reported in the literature in individuals affected with MYH11-related conditions. ClinVar contains an entry for this variant (Variation ID: 636424). Invitae Evidence Modeling of protein sequence and biophysical properties (such as structural, functional, and spatial information, amino acid conservation, physicochemical variation, residue mobility, and thermodynamic stability) indicates that this missense variant is not expected to disrupt MYH11 protein function with a negative predictive value of 95%. In summary, the available evidence is currently insufficient to determine the role of this variant in disease. Therefore, it has been classified as a Variant of Uncertain Significance.

Blueprint Genetics
Classification: Uncertain significance. Last evaluated: 2017-06-16. Review status: criteria provided, single submitter. Criteria: ACMG Guidelines, 2015. Collection method: clinical testing. Allele origin: germline.

NM_002474.3(MYH11):c.1201A>G (p.Ile401Val)

Gene: MYH11 (myosin heavy chain 11; minus strand). Cytogenetic location: 16p13.11.
Variant type: single nucleotide variant.
Coding change: c.1201A>G on transcript NM_002474.3 (MANE Select); coding-DNA position 1201, A replaced by G.
Protein change: p.Ile401Val; replaces isoleucine 401 with valine.
Molecular consequence: missense variant.
Genome position (GRCh38, 1-based): chr16:15,760,587, T>C on the plus strand (A>G on the coding strand, the complement: MYH11 is on the minus strand). VCF-style: chr16-15760587-T-C. GRCh37 (hg19) VCF-style: chr16-15854444-T-C.
Other names: c.1222A>G, p.Ile408Val (NM_001040113.2, NM_001040114.2); c.1201A>G, p.Ile401Val (NM_022844.3); short protein forms I401V, I408V.
Identifiers: ClinVar variation 636424 (VCV000636424.4), dbSNP rs1596795086, ClinGen allele CA394872949.